The following is an entry in ClinVar:

ClinVar aggregate classification (germline): Uncertain significance. Review status: criteria provided, multiple submitters, no conflicts (2 of 4 stars). 3 submissions from 3 submitters: Uncertain significance (3). Last evaluated 2023-12-18.

Conditions:
Inborn genetic diseases. Identifiers: MedGen C0950123, MeSH D030342.

Allele frequency attached by ClinVar (database versions not stated): ExAC 0.00001; gnomAD 0.00001 and 0.00002; gnomAD exomes 0.00002; TOPMed 0.00002; 1000 Genomes Project 30x 0.00016.
gnomAD v4.1: 41 of 1,614,178 alleles (0.0025%); highest among the groups gnomAD compares: South Asian, 0.0099%; no homozygotes.

Submissions (3):

Ambry Genetics
Classification: Uncertain significance for Inborn genetic diseases. Last evaluated: 2023-12-18. Review status: criteria provided, single submitter. Criteria: Ambry Variant Classification Scheme 2023. Collection method: clinical testing. Allele origin: germline.

Labcorp Genetics (formerly Invitae), Labcorp
Classification: Uncertain significance. Last evaluated: 2022-07-25. Review status: criteria provided, single submitter. Criteria: Invitae Variant Classification Sherloc (09022015). Collection method: clinical testing. Allele origin: germline.
Comment: This sequence change replaces threonine, which is neutral and polar, with proline, which is neutral and non-polar, at codon 105 of the CD59 protein (p.Thr105Pro). This variant is present in population databases (rs201067115, gnomAD 0.006%). This variant has not been reported in the literature in individuals affected with CD59-related conditions. ClinVar contains an entry for this variant (Variation ID: 1163337). Algorithms developed to predict the effect of missense changes on protein structure and function output the following: SIFT: "Tolerated"; PolyPhen-2: "Probably Damaging"; Align-GVGD: "Class C0". The proline amino acid residue is found in multiple mammalian species, which suggests that this missense change does not adversely affect protein function. In summary, the available evidence is currently insufficient to determine the role of this variant in disease. Therefore, it has been classified as a Variant of Uncertain Significance.

Mayo Clinic Laboratories, Mayo Clinic
Classification: Uncertain significance. Last evaluated: 2020-12-21. Review status: criteria provided, single submitter. Criteria: ACMG Guidelines, 2015. Collection method: clinical testing. Allele origin: germline. Observed: 1 variant allele.

NM_000611.6(CD59):c.313A>C (p.Thr105Pro)

Gene: CD59 (CD59 molecule (CD59 blood group); minus strand). Cytogenetic location: 11p13.
Variant type: single nucleotide variant.
Coding change: c.313A>C on transcript NM_000611.6 (MANE Select); coding-DNA position 313, A replaced by C.
Protein change: p.Thr105Pro; replaces threonine 105 with proline.
Molecular consequence: missense variant.
Genome position (GRCh38, 1-based): chr11:33,710,200, T>G on the plus strand (A>C on the coding strand, the complement: CD59 is on the minus strand). VCF-style: chr11-33710200-T-G. GRCh37 (hg19) VCF-style: chr11-33731746-T-G.
Other names: c.313A>C, p.Thr105Pro (NM_001127223.1, NM_001127225.2, NM_001127226.2 and 4 more transcripts); short protein forms T105P.
Identifiers: ClinVar variation 1163337 (VCV001163337.11), dbSNP rs201067115, ClinGen allele CA5940715.
Genomic context (GRCh38, chr11:33,710,200, plus strand): 5'-TCCAGGCTGCTGCCAGAAATGGAGTCACCAGCAGAAGAACTGTTTTCTCTGATAAGGATG[T>G]CCCACCATTTTCAAGCTGTTCGTTAAAGTTACACAGGTCCTTCTTGCAGCAGTAGTACGT-3'
Protein context (NP_000602.1, residues 95-115): NFNEQLENGG[Thr105Pro]SLSEKTVLLL